The following is an entry in ClinVar:

ClinVar aggregate classification (germline): Uncertain significance (1 of 4 stars; one submission).

Conditions:
Primary open angle glaucoma (POAG). Also called: OPTN-related open angle glaucoma. Identifiers: MedGen C0339573, MONDO:0100553, OMIM 137760.
Amyotrophic lateral sclerosis type 12 (ALS12). Also called: AMYOTROPHIC LATERAL SCLEROSIS 12 WITH OR WITHOUT FRONTOTEMPORAL DEMENTIA. Identifiers: Orphanet 803, MedGen C3150692, MONDO:0013264, OMIM 613435.
Glaucoma 1, open angle, E. Identifiers: MedGen C1842026, MONDO:0007665.

gnomAD v4.1: 2 of 1,614,212 alleles (0.00012%); highest among the groups gnomAD compares: Non-Finnish European, 0.00017%; no homozygotes.

Submission:

Labcorp Genetics (formerly Invitae), Labcorp
Classification: Uncertain significance for Primary open angle glaucoma; Glaucoma 1, open angle, E; Amyotrophic lateral sclerosis type 12. Last evaluated: 2025-09-14. Review status: criteria provided, single submitter. Criteria: Invitae Variant Classification Sherloc (09022015). Collection method: clinical testing. Allele origin: germline.
Comment: This sequence change replaces glutamine, which is neutral and polar, with histidine, which is basic and polar, at codon 569 of the OPTN protein (p.Gln569His). This variant is not present in population databases (gnomAD no frequency). This variant has not been reported in the literature in individuals affected with OPTN-related conditions. Invitae Evidence Modeling of protein sequence and biophysical properties (such as structural, functional, and spatial information, amino acid conservation, physicochemical variation, residue mobility, and thermodynamic stability) indicates that this missense variant is expected to disrupt OPTN protein function with a positive predictive value of 80%. In summary, the available evidence is currently insufficient to determine the role of this variant in disease. Therefore, it has been classified as a Variant of Uncertain Significance.

NM_001008212.2(OPTN):c.1707G>C (p.Gln569His)

Gene: OPTN (optineurin; plus strand). Cytogenetic location: 10p13.
Variant type: single nucleotide variant.
Coding change: c.1707G>C on transcript NM_001008212.2 (MANE Select); coding-DNA position 1707, G replaced by C.
Protein change: p.Gln569His; replaces glutamine 569 with histidine.
Molecular consequence: missense variant.
Genome position (GRCh38, 1-based): chr10:13,136,839, G>C. VCF-style: chr10-13136839-G-C. GRCh37 (hg19) VCF-style: chr10-13178839-G-C.
Other names: c.1707G>C, p.Gln569His (NM_001008211.1, NM_001008213.1, NM_021980.4); short protein forms Q569H.
Identifiers: ClinVar variation 4789057 (VCV004789057.1).